The following is an entry in ClinVar:

ClinVar aggregate classification (germline): Uncertain significance (1 of 4 stars; one submission).

Conditions:
Adenylosuccinate lyase deficiency (ADSLD). Also called: ADSL DEFICIENCY. Identifiers: Orphanet 46, MedGen C0268126, MONDO:0007068, OMIM 103050.

Allele frequency attached by ClinVar (database versions not stated): TOPMed below 0.00001; gnomAD 0.00002.

Submission:

Labcorp Genetics (formerly Invitae), Labcorp
Classification: Uncertain significance for Adenylosuccinate lyase deficiency. Last evaluated: 2023-10-03. Review status: criteria provided, single submitter. Criteria: Invitae Variant Classification Sherloc (09022015). Collection method: clinical testing. Allele origin: germline.
Comment: This variant occurs in a non-coding region of the ADSL gene. It does not change the encoded amino acid sequence of the ADSL protein. This variant is not present in population databases (gnomAD no frequency). This variant has not been reported in the literature in individuals affected with ADSL-related conditions. Experimental studies and prediction algorithms are not available or were not evaluated, and the functional significance of this variant is currently unknown. In summary, the available evidence is currently insufficient to determine the role of this variant in disease. Therefore, it has been classified as a Variant of Uncertain Significance.

NC_000022.11:g.40345686A>G

Gene: ADSL (adenylosuccinate lyase; plus strand). Cytogenetic location: 22q13.1.
Variant type: single nucleotide variant.
Genome position: GRCh38 VCF-style: chr22-40345686-A-G. GRCh37 (hg19) VCF-style: chr22-40741690-A-G.
Identifiers: ClinVar variation 1509219 (VCV001509219.4), dbSNP rs866097692, ClinGen allele CA324446368.